The following is an entry in ClinVar:

ClinVar aggregate classification (germline): Uncertain significance (1 of 4 stars; one submission).

gnomAD v4.1: 6 of 1,614,038 alleles (0.00037%); highest among the groups gnomAD compares: Admixed American, 0.0017%; no homozygotes.

Submission:

GeneDx
Classification: Uncertain significance. Last evaluated: 2026-08-10. Review status: criteria provided, single submitter. Criteria: GeneDx Variant Classification Process June 2021. Collection method: clinical testing. Allele origin: germline.
Comment: Not observed at significant frequency in large population cohorts (gnomAD); Missense variant in a gene in which most reported pathogenic variants are truncating/loss of function; Has not been previously published as pathogenic or benign to our knowledge

NM_001267550.2(TTN):c.9205G>T (p.Val3069Leu)

Gene: TTN (titin; minus strand). Cytogenetic location: 2q31.2.
Variant type: single nucleotide variant.
Coding change: c.9205G>T on transcript NM_001267550.2 (MANE Select); coding-DNA position 9205, G replaced by T.
Protein change: p.Val3069Leu; replaces valine 3069 with leucine.
Molecular consequence: missense variant.
Genome position (GRCh38, 1-based): chr2:178,768,114, C>A on the plus strand (G>T on the coding strand, the complement: TTN is on the minus strand). VCF-style: chr2-178768114-C-A. GRCh37 (hg19) VCF-style: chr2-179632841-C-A.
Other names: c.9205G>T, p.Val3069Leu (NM_001256850.1, NM_133378.4, NM_133379.5); c.9067G>T, p.Val3023Leu (NM_003319.4, NM_133432.3, NM_133437.4); short protein forms V3023L, V3069L.
Identifiers: ClinVar variation 3573721 (VCV003573721.2).